The following is an entry in ClinVar:

NM_003047.5(SLC9A1):c.1206G>A (p.Thr402=)

Gene: SLC9A1 (solute carrier family 9 member A1; minus strand). Cytogenetic location: 1p36.11.
Variant type: single nucleotide variant.
Coding change: c.1206G>A on transcript NM_003047.5 (MANE Select); coding-DNA position 1206, G replaced by A.
Protein change: p.Thr402=; no amino-acid change (threonine 402 retained).
Molecular consequence: synonymous variant. On other transcripts: non-coding transcript variant (1).
Genome position (GRCh38, 1-based): chr1:27,107,724, C>T on the plus strand (G>A on the coding strand, the complement: SLC9A1 is on the minus strand). VCF-style: chr1-27107724-C-T. GRCh37 (hg19) VCF-style: chr1-27434215-C-T.
Other names: c.1206G>A (NM_003047.4).
Identifiers: ClinVar variation 2146575 (VCV002146575.5), dbSNP rs368704142, ClinGen allele CA711160.

ClinVar aggregate classification (germline): Likely benign. Review status: criteria provided, multiple submitters, no conflicts (2 of 4 stars). 2 submissions from 2 submitters: Likely benign (2). Last evaluated 2026-04-13.

Conditions:
SLC9A1-related disorder. Also called: SLC9A1-related condition.

Allele frequency attached by ClinVar (database versions not stated): TOPMed 0.00002; gnomAD 0.00004; ESP Exome Variant Server 0.00008; gnomAD exomes 0.00008; 1000 Genomes Project 0.00040; ExAC 0.00055; 1000 Genomes Project 30x 0.00062.
gnomAD v4.1: 126 of 1,581,476 alleles (0.008%); highest among the groups gnomAD compares: South Asian, 0.12%; no homozygotes.

Submissions (2):

PreventionGenetics, part of Exact Sciences
Classification: Likely benign for SLC9A1-related condition. Last evaluated: 2026-04-13. Review status: criteria provided, single submitter. Criteria: ACMG Guidelines, 2015. Collection method: clinical testing. Allele origin: germline.
Comment: This variant is classified as likely benign based on ACMG/AMP sequence variant interpretation guidelines (Richards et al. 2015 PMID: 25741868, with internal and published modifications).

Labcorp Genetics (formerly Invitae), Labcorp
Classification: Likely benign. Last evaluated: 2025-09-10. Review status: criteria provided, single submitter. Criteria: Invitae Variant Classification Sherloc (09022015). Collection method: clinical testing. Allele origin: germline.